The following is an entry in ClinVar:

NM_015057.5(MYCBP2):c.2407T>G (p.Ser803Ala)

Gene: MYCBP2 (MYC binding protein 2; minus strand). Cytogenetic location: 13q22.3.
Variant type: single nucleotide variant.
Coding change: c.2407T>G on transcript NM_015057.5 (MANE Select); coding-DNA position 2407, T replaced by G.
Protein change: p.Ser803Ala; replaces serine 803 with alanine.
Molecular consequence: missense variant.
Genome position (GRCh38, 1-based): chr13:77,243,926, A>C on the plus strand (T>G on the coding strand, the complement: MYCBP2 is on the minus strand). VCF-style: chr13-77243926-A-C. GRCh37 (hg19) VCF-style: chr13-77818061-A-C.
Other names: short protein forms S803A.
Identifiers: ClinVar variation 3378224 (VCV003378224.1).

ClinVar aggregate classification (germline): Uncertain significance (1 of 4 stars; one submission).

Submission:

GeneDx
Classification: Uncertain significance. Last evaluated: 2024-05-16. Review status: criteria provided, single submitter. Criteria: GeneDx Variant Classification Process June 2021. Collection method: clinical testing. Allele origin: germline. Affected: yes.
Comment: Not observed at significant frequency in large population cohorts (gnomAD); In silico analysis indicates that this missense variant does not alter protein structure/function; Has not been previously published as pathogenic or benign to our knowledge